The following is an entry in ClinVar:

ClinVar aggregate classification (germline): Conflicting classifications of pathogenicity. Review status: criteria provided, conflicting classifications (1 of 4 stars). 3 submissions from 3 submitters: Uncertain significance (1); Likely benign (1). 1 of the submissions does not count toward it. Last evaluated 2022-11-01.

Conditions:
NPHP3-related disorder. Also called: NPHP3-related disorders; NPHP3-related condition. Identifiers: MedGen CN379163.
Nephronophthisis. Also called: Juvenile Nephronophthisis. Identifiers: Orphanet 655, MedGen C0687120, MONDO:0019005, HP:0000090.

Allele frequency attached by ClinVar (database versions not stated): ExAC 0.00001; gnomAD exomes 0.00002 and 0.00004; gnomAD 0.00003 and 0.00004; TOPMed 0.00004.
gnomAD v4.1: 59 of 1,613,076 alleles (0.0037%); highest among the groups gnomAD compares: Non-Finnish European, 0.005%; no homozygotes.

Submissions (3):

Labcorp Genetics (formerly Invitae), Labcorp
Classification: Likely benign for Nephronophthisis. Last evaluated: 2022-11-01. Review status: criteria provided, single submitter. Criteria: Invitae Variant Classification Sherloc (09022015). Collection method: clinical testing. Allele origin: germline.

Eurofins Ntd Llc (ga)
Classification: Uncertain significance. Last evaluated: 2017-04-10. Review status: criteria provided, single submitter. Criteria: EGL Classification Definitions 2015. Collection method: clinical testing. Allele origin: germline. Observed: 1 variant allele, 1 heterozygote.

PreventionGenetics, part of Exact Sciences
Classification: Likely benign for NPHP3-related condition. Last evaluated: 2024-03-18. Review status: no assertion criteria provided. Collection method: clinical testing. Allele origin: germline. Not counted in ClinVar's aggregate classification.
Comment: This variant is classified as likely benign based on ACMG/AMP sequence variant interpretation guidelines (Richards et al. 2015 PMID: 25741868, with internal and published modifications).

NM_153240.5(NPHP3):c.3609T>C (p.Ala1203=)

Genes: NPHP3 (nephrocystin 3; minus strand), NPHP3-ACAD11 (NPHP3-ACAD11 readthrough (NMD candidate); minus strand). Cytogenetic location: 3q22.1.
Variant type: single nucleotide variant.
Coding change: c.3609T>C on transcript NM_153240.5 (MANE Select); coding-DNA position 3609, T replaced by C.
Protein change: p.Ala1203=; no amino-acid change (alanine 1203 retained).
Molecular consequence: synonymous variant. On other transcripts: non-coding transcript variant (1).
Genome position (GRCh38, 1-based): chr3:132,683,486, A>G on the plus strand (T>C on the coding strand, the complement: NPHP3 is on the minus strand). VCF-style: chr3-132683486-A-G. GRCh37 (hg19) VCF-style: chr3-132402330-A-G.
Other names: c.3609T>C (NM_153240.4).
Identifiers: ClinVar variation 501346 (VCV000501346.14), dbSNP rs747847543, ClinGen allele CA2621692.